The following is an entry in ClinVar:

NM_001130438.3(SPTAN1):c.1651-17G>A

Gene: SPTAN1 (spectrin alpha, non-erythrocytic 1; plus strand). Cytogenetic location: 9q34.11.
Variant type: single nucleotide variant.
Coding change: c.1651-17G>A on transcript NM_001130438.3 (MANE Select); 17 bases into the intron before coding-DNA position 1651, G replaced by A.
Molecular consequence: intron variant.
Genome position (GRCh38, 1-based): chr9:128,582,677, G>A. VCF-style: chr9-128582677-G-A. GRCh37 (hg19) VCF-style: chr9-131344956-G-A.
Other names: c.1651-17G>A (NM_001363759.2, NM_003127.4, NM_001363765.2 and 1 more transcripts).
Identifiers: ClinVar variation 378654 (VCV000378654.10), dbSNP rs372860106, ClinGen allele CA5264478.

ClinVar aggregate classification (germline): Likely benign. Review status: criteria provided, multiple submitters, no conflicts (2 of 4 stars). 3 submissions from 3 submitters: Likely benign (3). Last evaluated 2026-01-19.

Conditions:
Early-infantile DEE. Also called: Ohtahara syndrome; Early infantile epileptic encephalopathy; Early infantile epileptic encephalopathy with suppression bursts. Identifiers: Orphanet 1934, MedGen C0393706, MONDO:0800491.

Allele frequency attached by ClinVar (database versions not stated): ExAC 0.00014; gnomAD exomes 0.00019 and 0.00022; gnomAD 0.00026 and 0.00027; TOPMed 0.00026; ESP Exome Variant Server 0.00031.
gnomAD v4.1: 319 of 1,612,194 alleles (0.02%); highest among the groups gnomAD compares: Middle Eastern, 0.049%; no homozygotes.

Submissions (3):

Labcorp Genetics (formerly Invitae), Labcorp
Classification: Likely benign for Early-infantile DEE. Last evaluated: 2026-01-19. Review status: criteria provided, single submitter. Criteria: Invitae Variant Classification Sherloc (09022015). Collection method: clinical testing. Allele origin: germline.

Blueprint Genetics
Classification: Likely benign. Last evaluated: 2024-09-06. Review status: criteria provided, single submitter. Criteria: ACMG Guidelines, 2015. Collection method: clinical testing. Allele origin: germline.

GeneDx
Classification: Likely benign. Last evaluated: 2016-11-07. Review status: criteria provided, single submitter. Criteria: GeneDx Variant Classification (06012015). Collection method: clinical testing. Allele origin: germline. Affected: yes.
Comment: This variant is considered likely benign or benign based on one or more of the following criteria: it is a conservative change, it occurs at a poorly conserved position in the protein, it is predicted to be benign by multiple in silico algorithms, and/or has population frequency not consistent with disease.